The following is an entry in ClinVar:

ClinVar aggregate classification (germline): Pathogenic/Likely pathogenic. Review status: criteria provided, multiple submitters, no conflicts (2 of 4 stars). 4 submissions from 4 submitters: Pathogenic (2); Likely pathogenic (1). 1 of the submissions does not count toward it. Last evaluated 2025-04-26.

Conditions:
ALMS1-related disorder. Also called: ALMS1-related condition.
Cardiovascular phenotype. Identifiers: MedGen CN230736.
Alstrom syndrome (ALMS). Identifiers: Orphanet 64, MedGen C0268425, MONDO:0008763, OMIM 203800.

Submissions (4):

Labcorp Genetics (formerly Invitae), Labcorp
Classification: Pathogenic for Alstrom syndrome. Last evaluated: 2025-04-26. Review status: criteria provided, single submitter. Criteria: Invitae Variant Classification Sherloc (09022015). Collection method: clinical testing. Allele origin: germline.
Comment: This sequence change creates a premature translational stop signal (p.Glu2785*) in the ALMS1 gene. It is expected to result in an absent or disrupted protein product. Loss-of-function variants in ALMS1 are known to be pathogenic (PMID: 17594715). This variant is not present in population databases (gnomAD no frequency). This premature translational stop signal has been observed in individual(s) with Alstrom syndrome (PMID: 25846608, 30064963). ClinVar contains an entry for this variant (Variation ID: 552234). For these reasons, this variant has been classified as Pathogenic.

Ambry Genetics
Classification: Pathogenic for Cardiovascular phenotype. Last evaluated: 2025-04-17. Review status: criteria provided, single submitter. Criteria: Ambry Variant Classification Scheme 2023. Collection method: clinical testing. Allele origin: germline.
Comment: The c.8352_8355delAGAA pathogenic mutation, located in coding exon 10 of the ALMS1 gene, results from a deletion of 4 nucleotides at nucleotide positions 8352 to 8355, causing a translational frameshift with a predicted alternate stop codon (p.E2785*). This variant has been identified in the homozygous state and/or in conjunction with other ALMS1 variant(s) in individual(s) who met clinical criteria for Alstrom syndrome (Lindsey S et al. Am J Med Genet A, 2017 Aug;173:2210-2218). This variant is considered to be rare based on population cohorts in the Genome Aggregation Database (gnomAD). This alteration is expected to result in loss of function by premature protein truncation or nonsense-mediated mRNA decay. As such, this alteration is interpreted as a disease-causing mutation.

Blueprint Genetics
Classification: Likely pathogenic for ALMS1-related disorders. Last evaluated: 2018-10-19. Review status: criteria provided, single submitter. Criteria: ACMG Guidelines, 2015. Collection method: clinical testing. Allele origin: germline. Affected: yes. Observed: 1 variant allele.

Counsyl
Classification: Likely pathogenic for Alstrom syndrome. Last evaluated: 2017-05-31. Review status: no assertion criteria provided. Collection method: clinical testing. Allele origin: unknown. Not counted in ClinVar's aggregate classification.

Literature cited by the submitters: PubMed 17594715 (cited by Labcorp Genetics (formerly Invitae), Labcorp); PubMed 25846608 (cited by 3 submitters); PubMed 30064963 (cited by Labcorp Genetics (formerly Invitae), Labcorp); PubMed 28573831 (cited by Ambry Genetics).

NM_001378454.1(ALMS1):c.8349_8352del (p.Lys2783_Glu2784insTer)

Gene: ALMS1 (ALMS1 centrosome and basal body associated protein; plus strand). Cytogenetic location: 2p13.1.
Variant type: Deletion.
Coding change: c.8349_8352del on transcript NM_001378454.1 (MANE Select); coding-DNA positions 8349 to 8352, 4 bases deleted (AGAA; older notation c.8349_8352delAGAA).
Protein change: p.Lys2783_Glu2784insTer.
Molecular consequence: frameshift variant.
Genome position (GRCh38, 1-based): chr2:73,490,308-73,490,311, AGAA deleted; deleting any 4 consecutive bases within chr2:73,490,306-73,490,311 gives the same sequence; the c. name uses the placement nearest the transcript's 3' end. VCF-style (leftmost placement, unchanged base first): chr2-73490305-TAAAG-T. GRCh37 (hg19) VCF-style: chr2-73717432-TAAAG-T.
Other names: c.8352_8355del, p.Lys2784_Glu2785insTer (NM_015120.4); c.8352_8355delAGAA (NM_015120.4).
Identifiers: ClinVar variation 552234 (VCV000552234.15), dbSNP rs1553409710, ClinGen allele CA658821977.